The following is an entry in ClinVar:

NM_020163.3(SEMA3G):c.2123del (p.Lys708fs)

Gene: SEMA3G (semaphorin 3G; minus strand). Cytogenetic location: 3p21.1.
Variant type: Deletion.
Coding change: c.2123del on transcript NM_020163.3 (MANE Select); coding-DNA position 2123, one base deleted (A; older notation c.2123delA).
Protein change: p.Lys708fs; shifts the reading frame from lysine 708.
Molecular consequence: frameshift variant.
Genome position (GRCh38, 1-based): chr3:52,435,829, T deleted on the plus strand (A on the coding strand, the reverse complement: SEMA3G is on the minus strand); the first of 2 consecutive T bases (chr3:52,435,829-52,435,830); deleting either gives the same sequence. VCF-style (leftmost placement, unchanged base first): chr3-52435828-CT-C. GRCh37 (hg19) VCF-style: chr3-52469844-CT-C.
Other names: short protein forms K708fs.
Identifiers: ClinVar variation 3346434 (VCV003346434.1).

ClinVar aggregate classification (germline): Uncertain significance (0 of 4 stars; one submission).

Conditions:
SEMA3G-related disorder. Also called: SEMA3G-related condition.

Submission:

PreventionGenetics, part of Exact Sciences
Classification: Uncertain significance for SEMA3G-related condition. Last evaluated: 2024-08-19. Review status: no assertion criteria provided. Collection method: clinical testing. Allele origin: germline.
Comment: The SEMA3G c.2123delA variant is predicted to result in a frameshift and premature protein termination (p.Lys708Argfs*53). To our knowledge, this variant has not been reported in the literature or in a large population database, indicating this variant is rare. At this time, the clinical significance of this variant is uncertain due to the absence of conclusive functional and genetic evidence.